The following is an entry in ClinVar:

ClinVar aggregate classification (germline): Uncertain significance (1 of 4 stars; one submission).

Conditions:
Primary ciliary dyskinesia. Also called: Ciliary dyskinesia. Identifiers: Orphanet 244, MedGen C0008780, MONDO:0016575, HP:0012265.

Submission:

Ambry Genetics
Classification: Uncertain significance for Primary ciliary dyskinesia. Last evaluated: 2026-05-14. Review status: criteria provided, single submitter. Criteria: Ambry Variant Classification Scheme 2023. Collection method: clinical testing. Allele origin: germline.
Comment: The p.I552T variant (also known as c.1655T>C), located in coding exon 15 of the NME8 gene, results from a T to C substitution at nucleotide position 1655. The isoleucine at codon 552 is replaced by threonine, an amino acid with similar properties. This amino acid position is conserved. In addition, the in silico prediction for this alteration is inconclusive. Based on the available evidence, the clinical significance of this variant remains unclear.

NM_016616.5(NME8):c.1655T>C (p.Ile552Thr)

Gene: NME8 (NME/NM23 family member 8; plus strand). Cytogenetic location: 7p14.1.
Variant type: single nucleotide variant.
Coding change: c.1655T>C on transcript NM_016616.5 (MANE Select); coding-DNA position 1655, T replaced by C.
Protein change: p.Ile552Thr; replaces isoleucine 552 with threonine.
Molecular consequence: missense variant.
Genome position (GRCh38, 1-based): chr7:37,896,980, T>C. VCF-style: chr7-37896980-T-C. GRCh37 (hg19) VCF-style: chr7-37936582-T-C.
Other names: short protein forms I552T.
Identifiers: ClinVar variation 4861091 (VCV004861091.1).